The following is an entry in ClinVar:

ClinVar aggregate classification (germline): Likely benign. Review status: criteria provided, multiple submitters, no conflicts (2 of 4 stars). 2 submissions from 2 submitters: Likely benign (2). Last evaluated 2017-04-27.

Conditions:
Usher syndrome type 1G. Also called: USHER SYNDROME, TYPE IG, MILD. Identifiers: Orphanet 231169, Orphanet 886, MedGen C1847089, MONDO:0011748, OMIM 606943.

Allele frequency attached by ClinVar (database versions not stated): gnomAD 0.06899; 1000 Genomes Project 0.07208; 1000 Genomes Project 30x 0.07620; TOPMed 0.08300.

Submissions (2):

Illumina Laboratory Services, Illumina
Classification: Likely benign for Usher syndrome type 1G. Last evaluated: 2017-04-27. Review status: criteria provided, single submitter. Criteria: ICSL Variant Classification Criteria 13 December 2019. Collection method: clinical testing. Allele origin: germline.
Comment: This variant was observed as part of a predisposition screen in an ostensibly healthy population. A literature search was performed for the gene, cDNA change, and amino acid change (where applicable). No publications were found based on this search. Allele frequency data from public databases allowed determination this variant is unlikely to cause disease. Therefore, this variant is classified as likely benign.

Breakthrough Genomics
Classification: Likely benign. Review status: criteria provided, single submitter. Criteria: ACMG Guidelines, 2015. Collection method: not provided. Allele origin: germline. Inheritance: Autosomal recessive inheritance. Affected: yes.

NM_173477.5(USH1G):c.*1656T>C

Gene: USH1G (USH1 protein network component sans; minus strand). Cytogenetic location: 17q25.1.
Variant type: single nucleotide variant.
Coding change: c.*1656T>C on transcript NM_173477.5 (MANE Select); 1656 bases downstream of the stop codon, T replaced by C.
Molecular consequence: 3 prime UTR variant.
Genome position (GRCh38, 1-based): chr17:74,916,417, A>G on the plus strand (T>C on the coding strand, the complement: USH1G is on the minus strand). VCF-style: chr17-74916417-A-G. GRCh37 (hg19) VCF-style: chr17-72912509-A-G.
Other names: c.*1656T>C (NM_001282489.3).
Identifiers: ClinVar variation 325033 (VCV000325033.6), dbSNP rs8067775, ClinGen allele CA10646715.
Genomic context (GRCh38, chr17:74,916,417, plus strand): 5'-GCCCTCAGTGTCCTGCAGTAGGACAGGGACCATCTCCTCCATGCCCCCTACTCTGGGCAC[A>G]TGTGTGGGAATGGGAACCCCCAGACAGACCAGAAAGAGGCCTTTGAGGGCTCTCTTTCCC-3'